The following is an entry in ClinVar:

NM_031418.4(ANO3):c.1523A>T (p.Glu508Val)

Gene: ANO3 (anoctamin 3; plus strand). Cytogenetic location: 11p14.2.
Variant type: single nucleotide variant.
Coding change: c.1523A>T on transcript NM_031418.4 (MANE Select); coding-DNA position 1523, A replaced by T.
Protein change: p.Glu508Val; replaces glutamic acid 508 with valine.
Molecular consequence: missense variant.
Genome position (GRCh38, 1-based): chr11:26,598,440, A>T. VCF-style: chr11-26598440-A-T. GRCh37 (hg19) VCF-style: chr11-26619987-A-T.
Other names: c.1706A>T, p.Glu569Val (NM_001313726.2); c.1085A>T, p.Glu362Val (NM_001313727.2); short protein forms E569V, E362V, E508V.
Identifiers: ClinVar variation 2823387 (VCV002823387.3), dbSNP rs2538932309, ClinGen allele CA379940246.
Genomic context (GRCh38, chr11:26,598,440, plus strand): 5'-AGTTTTGGAAAAGGAGAAGGAGTATACTGACCTATACTTGGGACCTTATCGAATGGGAAG[A>T]AGAGGAGGTAAGATGTTAGGATACAAGGAAATAGGGAAACTGGGCTATTACAGGATATGG-3'
Protein context (NP_113606.2, residues 498-518): TYTWDLIEWE[Glu508Val]EEETLRPQFE

ClinVar aggregate classification (germline): Uncertain significance (1 of 4 stars; one submission).

Conditions:
Dystonic disorder. Also called: Dystonia. Identifiers: MedGen C0013421, MONDO:0003441, HP:0001332.

Submission:

Labcorp Genetics (formerly Invitae), Labcorp
Classification: Uncertain significance for Dystonic disorder. Last evaluated: 2023-03-20. Review status: criteria provided, single submitter. Criteria: Invitae Variant Classification Sherloc (09022015). Collection method: clinical testing. Allele origin: germline.
Comment: This missense change has been observed in individual(s) with clinical features of ANO3-related conditions (Invitae). This variant is not present in population databases (gnomAD no frequency). This sequence change replaces glutamic acid, which is acidic and polar, with valine, which is neutral and non-polar, at codon 508 of the ANO3 protein (p.Glu508Val). Advanced modeling of protein sequence and biophysical properties (such as structural, functional, and spatial information, amino acid conservation, physicochemical variation, residue mobility, and thermodynamic stability) performed at Invitae indicates that this missense variant is not expected to disrupt ANO3 protein function. In summary, the available evidence is currently insufficient to determine the role of this variant in disease. Therefore, it has been classified as a Variant of Uncertain Significance.